The following is an entry in ClinVar:

ClinVar aggregate classification (germline): Uncertain significance (1 of 4 stars; one submission).

gnomAD v4.1: 3 of 1,612,808 alleles (0.00019%); highest among the groups gnomAD compares: African/African-American, 0.0013%; no homozygotes.

Submission:

Ambry Genetics
Classification: Uncertain significance. Last evaluated: 2025-08-21. Review status: criteria provided, single submitter. Criteria: Ambry Variant Classification Scheme 2023. Collection method: clinical testing. Allele origin: germline.
Comment: The p.D811E variant (also known as c.2433C>A), located in coding exon 11 of the WNK2 gene, results from a C to A substitution at nucleotide position 2433. The aspartic acid at codon 811 is replaced by glutamic acid, an amino acid with highly similar properties. This amino acid position is conserved. In addition, this alteration is predicted to be tolerated by in silico analysis. Based on the available evidence, the clinical significance of this variant remains unclear.

NM_006648.4(WNK2):c.2433C>A (p.Asp811Glu)

Gene: WNK2 (WNK lysine deficient protein kinase 2; plus strand). Cytogenetic location: 9q22.31.
Variant type: single nucleotide variant.
Coding change: c.2433C>A on transcript NM_006648.4 (MANE Select); coding-DNA position 2433, C replaced by A.
Protein change: p.Asp811Glu; replaces aspartic acid 811 with glutamic acid.
Molecular consequence: missense variant.
Genome position (GRCh38, 1-based): chr9:93,258,981, C>A. VCF-style: chr9-93258981-C-A. GRCh37 (hg19) VCF-style: chr9-96021263-C-A.
Other names: c.2433C>A, p.Asp811Glu (NM_001282394.3); short protein forms D811E.
Identifiers: ClinVar variation 4201793 (VCV004201793.1).